The following is an entry in ClinVar:

NM_001035.3(RYR2):c.6023-14T>G

Gene: RYR2 (ryanodine receptor 2; plus strand). Cytogenetic location: 1q43.
Variant type: single nucleotide variant.
Coding change: c.6023-14T>G on transcript NM_001035.3 (MANE Select); 14 bases into the intron before coding-DNA position 6023, T replaced by G.
Molecular consequence: intron variant.
Genome position (GRCh38, 1-based): chr1:237,625,647, T>G. VCF-style: chr1-237625647-T-G. GRCh37 (hg19) VCF-style: chr1-237788947-T-G.
Identifiers: ClinVar variation 2141283 (VCV002141283.6), dbSNP rs1679568664, ClinGen allele CA2487417023.

ClinVar aggregate classification (germline): Conflicting classifications of pathogenicity. Review status: criteria provided, conflicting classifications (1 of 4 stars). 3 submissions from 3 submitters: Uncertain significance (1); Likely benign (2). Last evaluated 2025-07-09.

Conditions:
Catecholaminergic polymorphic ventricular tachycardia (CVPT). Also called: Catecholamine-induced polymorphic ventricular tachycardia. Identifiers: Orphanet 3286, MedGen C5574922, MONDO:0017990.
Catecholaminergic polymorphic ventricular tachycardia 1. Also called: VENTRICULAR TACHYCARDIA, STRESS-INDUCED POLYMORPHIC 1; VENTRICULAR TACHYCARDIA, CATECHOLAMINERGIC POLYMORPHIC, 1, WITH OR WITHOUT ATRIAL DYSFUNCTION AND/OR DILATED CARDIOMYOPATHY; RYR2-Related Catecholaminergic Polymorphic Ventricular Tachycardia. Identifiers: Orphanet 3286, MedGen C1631597, MONDO:0011484, OMIM 604772.
Cardiomyopathy (CMYO). Also called: Cardiomyopathies. Identifiers: Orphanet 167848, MedGen C0878544, MONDO:0004994, HP:0001638. Inheritance: Various modes of inheritance.

Allele frequency attached by ClinVar (database versions not stated): TOPMed 0.00001.

Submissions (3):

Color Diagnostics, LLC DBA Color Health
Classification: Likely benign for Cardiomyopathy. Last evaluated: 2025-07-09. Review status: criteria provided, single submitter. Criteria: ACMG Guidelines, 2015. Collection method: clinical testing. Allele origin: germline.

Labcorp Genetics (formerly Invitae), Labcorp
Classification: Likely benign for Catecholaminergic polymorphic ventricular tachycardia 1. Last evaluated: 2025-06-11. Review status: criteria provided, single submitter. Criteria: Invitae Variant Classification Sherloc (09022015). Collection method: clinical testing. Allele origin: germline.

All of Us Research Program, National Institutes of Health
Classification: Uncertain significance for Catecholaminergic polymorphic ventricular tachycardia. Last evaluated: 2023-09-17. Review status: criteria provided, single submitter. Criteria: ACMG Guidelines, 2015. Collection method: clinical testing. Allele origin: germline. Inheritance: Autosomal dominant inheritance. Observed: 1 variant allele, 1 heterozygote.
Comment: This variant causes a T to G nucleotide substitution at the -14 position of intron 39 of the RYR2 gene. To our knowledge, functional studies have not been reported for this variant. This variant has not been reported in individuals affected with RYR2-related disorders in the literature. This variant has not been identified in the general population by the Genome Aggregation Database (gnomAD). The available evidence is insufficient to determine the role of this variant in disease conclusively. Therefore, this variant is classified as a Variant of Uncertain Significance.

This study involves interpretation of variants in research participants for the purpose of population health screening. Participant phenotype was not available at the time of variant classification. Additional details can be found in publication PMID: 35346344, PMCID: PMC8962531